The following is an entry in ClinVar:

NM_004448.4(ERBB2):c.2989G>T (p.Ala997Ser)

Gene: ERBB2 (erb-b2 receptor tyrosine kinase 2; plus strand). Cytogenetic location: 17q12.
Variant type: single nucleotide variant.
Coding change: c.2989G>T on transcript NM_004448.4 (MANE Select); coding-DNA position 2989, G replaced by T.
Protein change: p.Ala997Ser; replaces alanine 997 with serine.
Molecular consequence: missense variant. On other transcripts: non-coding transcript variant (1), intron variant (1).
Genome position (GRCh38, 1-based): chr17:39,726,833, G>T. VCF-style: chr17-39726833-G-T. GRCh37 (hg19) VCF-style: chr17-37883086-G-T.
Other names: c.2209-462G>T (NM_001382805.1); c.2989G>T, p.Ala997Ser (NM_001382796.1, NM_001289937.2); c.2890G>T, p.Ala964Ser (NM_001382797.1); c.2833G>T, p.Ala945Ser (NM_001382798.1); c.2809G>T, p.Ala937Ser (NM_001382799.1); c.2803G>T, p.Ala935Ser (NM_001382800.1); c.2785G>T, p.Ala929Ser (NM_001382801.1); c.2731G>T, p.Ala911Ser (NM_001382802.1); and 15 more; short protein forms A1022S, A1031S, A997S, A1004S, A1024S, A721S, A929S, A964S.
Identifiers: ClinVar variation 3662821 (VCV003662821.2).
Genomic context (GRCh38, chr17:39,726,833, plus strand): 5'-GGCTGGGGAGGGGCCACCATCCTGCCTCTCCTTCCTCCACAGAATGAGGACTTGGGCCCA[G>T]CCAGTCCCTTGGACAGCACCTTCTACCGCTCACTGCTGGAGGACGATGACATGGGGGACC-3'
Protein context (NP_004439.2, residues 987-1007): VVIQNEDLGP[Ala997Ser]SPLDSTFYRS

ClinVar aggregate classification (germline): Uncertain significance (1 of 4 stars; one submission).

gnomAD v4.1: 1 of 1,612,670 alleles (0.000062%); highest among the groups gnomAD compares: Non-Finnish European, 0.000085%; no homozygotes.

Submission:

Labcorp Genetics (formerly Invitae), Labcorp
Classification: Uncertain significance. Last evaluated: 2024-08-31. Review status: criteria provided, single submitter. Criteria: Invitae Variant Classification Sherloc (09022015). Collection method: clinical testing. Allele origin: germline.
Comment: This sequence change replaces alanine, which is neutral and non-polar, with serine, which is neutral and polar, at codon 997 of the ERBB2 protein (p.Ala997Ser). This variant is not present in population databases (gnomAD no frequency). This variant has not been reported in the literature in individuals affected with ERBB2-related conditions. Invitae Evidence Modeling of protein sequence and biophysical properties (such as structural, functional, and spatial information, amino acid conservation, physicochemical variation, residue mobility, and thermodynamic stability) indicates that this missense variant is not expected to disrupt ERBB2 protein function with a negative predictive value of 80%. In summary, the available evidence is currently insufficient to determine the role of this variant in disease. Therefore, it has been classified as a Variant of Uncertain Significance.